The following is an entry in ClinVar:

NM_001243766.1(POMGNT1):c.794G>A (p.Arg265His)

Genes: TSPAN1 (tetraspanin 1; plus strand), POMGNT1 (protein O-linked mannose N-acetylglucosaminyltransferase 1 (beta 1,2-); minus strand). Cytogenetic location: 1p34.1.
Variant type: single nucleotide variant.
Coding change: c.794G>A on transcript NM_001243766.1; coding-DNA position 794, G replaced by A.
Protein change: p.Arg265His; replaces arginine 265 with histidine.
Molecular consequence: missense variant (on NM_017739.4).
Genome position (GRCh38, 1-based): chr1:46,194,359, C>T on the plus strand (G>A on the coding strand, the complement: POMGNT1 is on the minus strand). VCF-style: chr1-46194359-C-T. GRCh37 (hg19) VCF-style: chr1-46660031-C-T.
Other names: c.794G>A, p.Arg265His (NM_001243766.2, NM_001410783.1, NM_017739.4); c.728G>A, p.Arg243His (NM_001290129.3); c.365G>A, p.Arg122His (NM_001290130.2); short protein forms R265H, R122H, R243H.
Identifiers: ClinVar variation 56575 (VCV000056575.12), dbSNP rs386834010, ClinGen allele CA263935.
Genomic context (GRCh38, chr1:46,194,359, plus strand): 5'-GTGGGGTCCTTGCAGCTGCATACACTTCCATAGCCCTCAACTTTGCTGCAGAAGCGCCGG[C>T]GGCGACGGTTCAGCTCTGTGTCTGCCCAGTGGCACTCTGCCTCTGAGGGAAGGATGCGGT-3'

ClinVar aggregate classification (germline): Conflicting classifications of pathogenicity. Review status: criteria provided, conflicting classifications (1 of 4 stars). 8 submissions from 8 submitters: Uncertain significance (4); Likely benign (1). 3 of the submissions do not count toward it. Last evaluated 2025-02-26.

Conditions:
Autosomal recessive limb-girdle muscular dystrophy type 2O. Also called: MUSCULAR DYSTROPHY-DYSTROGLYCANOPATHY (LIMB-GIRDLE), TYPE C, 3; MUSCULAR DYSTROPHY-DYSTROGLYCANOPATHY, LIMB-GIRDLE, POMGNT1-RELATED; Limb-Girdle Muscular Dystrophy Type 3C. Identifiers: Orphanet 206564, MedGen C3150417, MONDO:0013161, OMIM 613157.
Muscular dystrophy-dystroglycanopathy (congenital with impaired intellectual development), type B, 3. Also called: Muscular dystrophy-dystroglycanopathy (congenital with intellectual disability), type B3; MUSCULAR DYSTROPHY, CONGENITAL, POMGNT1-RELATED. Identifiers: MedGen C3150412, MONDO:0013155, OMIM 613151.
Retinitis pigmentosa 76 (RP76). Identifiers: MedGen C4310704, MONDO:0014929, OMIM 617123.
Muscular dystrophy-dystroglycanopathy (congenital with brain and eye anomalies), type A3. Also called: Muscular dystrophy-dystroglycanopathy (congenital with brain and eye anomalies), type A, 3; Congenital muscular dystrophy-dystroglycanopathy with brain and eye anomalies, type A3; WALKER-WARBURG SYNDROME OR MUSCLE-EYE-BRAIN DISEASE, POMGNT1-RELATED. Identifiers: MedGen C3151519, MONDO:0009667, OMIM 253280.
Muscle eye brain disease (MEB). Also called: Santavuori congenital muscular dystrophy. Identifiers: Orphanet 588, Orphanet 899, MedGen C0457133, MONDO:0018939.

Allele frequency attached by ClinVar (database versions not stated): TOPMed 0.00002; gnomAD 0.00004; gnomAD exomes 0.00004; ExAC 0.00005.
gnomAD v4.1: 31 of 1,614,084 alleles (0.0019%); highest among the groups gnomAD compares: African/African-American, 0.0067%; no homozygotes.

Submissions (8):

GeneDx
Classification: Uncertain significance. Last evaluated: 2025-02-26. Review status: criteria provided, single submitter. Criteria: GeneDx Variant Classification Process June 2021. Collection method: clinical testing. Allele origin: germline. Affected: yes.
Comment: Reported previously with two other variants, one in cis and one in trans, in siblings with muscle-eye-brain disease (PMID: 15236414); Reported previously with two other variants (phase unknown) in a patient with muscle-eye-brain disease (PMID: 20215985); Reported previously with two other variants (phase unknown) in a fetus with type II lissencephaly (PMID: 17559086); Published functional studies suggest a damaging effect and show that this variant results in reduced enzymatic activity (PMID: 21361872); In silico analysis supports that this missense variant has a deleterious effect on protein structure/function; This variant is associated with the following publications: (PMID: 16427280, 22323514, 33144682, 24282183, 24733390, 30271085, 22522420, 20215985, 15236414, 17559086, 21361872)

Blueprint Genetics
Classification: Uncertain significance. Last evaluated: 2024-01-31. Review status: criteria provided, single submitter. Criteria: ACMG Guidelines, 2015. Collection method: clinical testing. Allele origin: germline.

Women's Health and Genetics/Laboratory Corporation of America, LabCorp
Classification: Uncertain significance. Last evaluated: 2022-12-20. Review status: criteria provided, single submitter. Criteria: LabCorp Variant Classification Summary - May 2015. Collection method: clinical testing. Allele origin: germline.
Comment: Variant summary: POMGNT1 c.794G>A (p.Arg265His) results in a non-conservative amino acid change in the encoded protein sequence. Five of five in-silico tools predict a damaging effect of the variant on protein function. The variant allele was found at a frequency of 4e-05 in 251420 control chromosomes. This frequency is not significantly higher than estimated for a pathogenic variant in POMGNT1 causing Limb-Girdle Muscular Dystrophy, Autosomal Recessive (4e-05 vs 0.00072), allowing no conclusion about variant significance. c.794G>A has been reported in the literature as a maternally inherited complex allele in cis with c.932G>A (p.Arg311Gln) in an individual with features of Muscle-eye-brain disease (MEB) who harbored a paternally inherited variant c.1324C>T (p.Arg442Cys) in trans (example, Vervoort_2004). This complex allele has also been reported in compound heterozygosity with other POMGNT1 variants in individuals with features of POMGNT1-related disorders (example, Devisme_2012, Voglmeir_2011). These report(s) do not provide unequivocal conclusions about association of the variant in isolation with Limb-Girdle Muscular Dystrophy, Autosomal Recessive. At least one publication reports variant specific experimental evidence evaluating an impact on protein function (Voglmeir_2011). The most pronounced variant effect results in 21% of normal protein-O-mannose N-acetylglucosaminyltransferase 1 enzyme activity in vitro. Three clinical diagnostic laboratories have submitted clinical-significance assessments for this variant to ClinVar after 2014 without evidence for independent evaluation. All laboratories classified the variant as uncertain significance. Based on the evidence outlined above, the variant was classified as VUS-possibly pathogenic.

Labcorp Genetics (formerly Invitae), Labcorp
Classification: Uncertain significance for Autosomal recessive limb-girdle muscular dystrophy type 2O; Muscular dystrophy-dystroglycanopathy (congenital with impaired intellectual development), type B, 3. Last evaluated: 2022-08-05. Review status: criteria provided, single submitter. Criteria: Invitae Variant Classification Sherloc (09022015). Collection method: clinical testing. Allele origin: germline.
Comment: This sequence change replaces arginine, which is basic and polar, with histidine, which is basic and polar, at codon 265 of the POMGNT1 protein (p.Arg265His). This variant is present in population databases (rs386834010, gnomAD 0.02%). This missense change has been observed in individual(s) with muscle-eye-brain (MEB) disease and was observed to segregate with MEB in a family. In at least one individual this variant was observed in cis with p.Arg311Gln and in trans with a different POMGNT1 variant (PMID: 15236414, 17559086, 20215985, 22522420). ClinVar contains an entry for this variant (Variation ID: 56575). Algorithms developed to predict the effect of missense changes on protein structure and function are either unavailable or do not agree on the potential impact of this missense change (SIFT: "Deleterious"; PolyPhen-2: "Probably Damaging"; Align-GVGD: "Class C0"). Experimental studies have shown that this missense change affects POMGNT1 function (PMID: 21361872, 24733390). In summary, the available evidence is currently insufficient to determine the role of this variant in disease. Therefore, it has been classified as a Variant of Uncertain Significance.

PreventionGenetics, part of Exact Sciences
Classification: Likely benign. Review status: criteria provided, single submitter. Criteria: ACMG Guidelines, 2015. Collection method: clinical testing. Allele origin: germline.

Natera, Inc.
Classification: Uncertain significance for Muscle-eye-brain disease. Last evaluated: 2020-09-16. Review status: no assertion criteria provided. Collection method: clinical testing. Allele origin: germline. Not counted in ClinVar's aggregate classification.

Counsyl
Classification: Uncertain significance for Muscular dystrophy-dystroglycanopathy (congenital with brain and eye anomalies), type A3. Last evaluated: 2017-01-31. Review status: no assertion criteria provided. Collection method: clinical testing. Allele origin: unknown. Not counted in ClinVar's aggregate classification.

Juha Muilu Group; Institute for Molecular Medicine Finland (FIMM)
Classification: Likely pathogenic for Muscle eye brain disease. Review status: no assertion criteria provided. Collection method: not provided. Allele origin: unknown. Not counted in ClinVar's aggregate classification.
Comment: FinDis database variant: This variant was not found or characterized by our laboratory, data were collected from public sources: see reference
ClinVar note: Converted during submission from probable-pathogenic to Likely pathogenic.

Literature cited by the submitters: PubMed 22323514 (cited by Women's Health and Genetics/Laboratory Corporation of America, LabCorp and Counsyl); PubMed 33144682 (cited by Women's Health and Genetics/Laboratory Corporation of America, LabCorp); PubMed 21361872 (cited by 3 submitters); PubMed 15236414 (cited by 3 submitters); PubMed 17559086 (cited by Labcorp Genetics (formerly Invitae), Labcorp and Counsyl); PubMed 20215985 (cited by Labcorp Genetics (formerly Invitae), Labcorp and Counsyl); PubMed 22522420 (cited by Labcorp Genetics (formerly Invitae), Labcorp and Counsyl); PubMed 24733390 (cited by Labcorp Genetics (formerly Invitae), Labcorp and Counsyl); PubMed 16427280 (cited by Counsyl).